The following is an entry in ClinVar:

NR_199791.1(RNU2-2):n.49T>C

Genes: RNU2-2 (RNA, U2 small nuclear 2; minus strand), WDR74 (WD repeat domain 74; minus strand). Cytogenetic location: 11q12.3.
Variant type: single nucleotide variant.
Molecular consequence: non-coding transcript variant (on NR_199791.1). On other transcripts: 5 prime UTR variant (1).
Genome position: GRCh38 VCF-style: chr11-62841761-A-G. GRCh37 (hg19) VCF-style: chr11-62609233-A-G.
Other names: c.-490T>C (NM_001369451.1).
Identifiers: ClinVar variation 4540483 (VCV004540483.1).
Genomic context (GRCh38, chr11:62,841,761, plus strand): 5'-TTTCCAAAAATCCATTTAATATATTGTCCTCGGATAGAGGACGTATCAGATATTAAACTG[A>G]TAAGAACAGATACTACACTTGATCTTAGCCAAAAGGCCGAGAAGCGATACCTTTACTTCG-3'

ClinVar aggregate classification (germline): Uncertain significance (1 of 4 stars; one submission).

Submission:

Institute for Human Genetics, University Hospital Essen
Classification: Uncertain significance. Last evaluated: 2025-11-27. Review status: criteria provided, single submitter. Criteria: Submitter's publication. Collection method: clinical testing. Allele origin: inherited. Inheritance: Autosomal unknown. Affected: yes. Observed: 1 variant allele, 1 compound heterozygote.
Comment: PM1_supp, PM2_supp (criteria rationale detailed in Leitão et al. Nature Genetics 2026)